The following is an entry in ClinVar:

NM_001384125.1(BLTP1):c.5037+4A>G

Gene: BLTP1 (bridge-like lipid transfer protein family member 1; plus strand). Cytogenetic location: 4q27.
Variant type: single nucleotide variant.
Coding change: c.5037+4A>G on transcript NM_001384125.1 (MANE Select); 4 bases into the intron after coding-DNA position 5037, A replaced by G.
Molecular consequence: intron variant.
Genome position (GRCh38, 1-based): chr4:122,245,144, A>G. VCF-style: chr4-122245144-A-G. GRCh37 (hg19) VCF-style: chr4-123166299-A-G.
Other names: c.5037+4A>G (NM_015312.4).
Identifiers: ClinVar variation 1302028 (VCV001302028.2), dbSNP rs141505433, ClinGen allele CA3066491.

ClinVar aggregate classification (germline): Uncertain significance (1 of 4 stars; one submission).

Allele frequency attached by ClinVar (database versions not stated): gnomAD 0.00004 and 0.00005; gnomAD exomes 0.00004 and 0.00011; TOPMed 0.00008; ExAC 0.00012; 1000 Genomes Project 30x 0.00031; 1000 Genomes Project 0.00040.
gnomAD v4.1: 59 of 1,606,732 alleles (0.0037%); highest among the groups gnomAD compares: East Asian, 0.13%; no homozygotes.

Submission:

GeneDx
Classification: Uncertain significance. Last evaluated: 2019-05-22. Review status: criteria provided, single submitter. Criteria: GeneDx Variant Classification Process June 2021. Collection method: clinical testing. Allele origin: germline. Affected: yes.
Comment: In silico analysis, which includes splice predictors and evolutionary conservation, supports a deleterious effect; Has not been previously published as pathogenic or benign to our knowledge